The following is an entry in ClinVar:

ClinVar aggregate classification (germline): Uncertain significance (1 of 4 stars; one submission).

Conditions:
Brugada syndrome. Also called: Sudden unexpected nocturnal death syndrome; Sudden Unexplained Death Syndrome; Sudden Unexplained Nocturnal Death Syndrome (SUNDS); Sudden unexplained nocturnal death syndrome. Identifiers: Orphanet 130, MedGen C1142166, MONDO:0015263.

Submission:

Labcorp Genetics (formerly Invitae), Labcorp
Classification: Uncertain significance for Brugada syndrome. Last evaluated: 2022-04-19. Review status: criteria provided, single submitter. Criteria: Invitae Variant Classification Sherloc (09022015). Collection method: clinical testing. Allele origin: germline.
Comment: This sequence change affects a donor splice site in intron 8 of the SCN10A gene. It is expected to disrupt RNA splicing. Variants that disrupt the donor or acceptor splice site typically lead to a loss of protein function (PMID: 16199547), however the current clinical and genetic evidence is not sufficient to establish whether loss-of-function variants in SCN10A cause disease. This variant is present in population databases (no rsID available, gnomAD 0.0009%). This variant has not been reported in the literature in individuals affected with SCN10A-related conditions. Algorithms developed to predict the effect of sequence changes on RNA splicing suggest that this variant may disrupt the consensus splice site. In summary, the available evidence is currently insufficient to determine the role of this variant in disease. Therefore, it has been classified as a Variant of Uncertain Significance.

Literature cited by the submitters: PubMed 16199547.

NM_006514.4(SCN10A):c.1092+1G>A

Gene: SCN10A (sodium voltage-gated channel alpha subunit 10; minus strand). Cytogenetic location: 3p22.2.
Variant type: single nucleotide variant.
Coding change: c.1092+1G>A on transcript NM_006514.4 (MANE Select); the canonical splice donor site of the intron after coding-DNA position 1092, G replaced by A.
Molecular consequence: splice donor variant.
Genome position (GRCh38, 1-based): chr3:38,757,017, C>T on the plus strand (G>A on the coding strand, the complement: SCN10A is on the minus strand). VCF-style: chr3-38757017-C-T. GRCh37 (hg19) VCF-style: chr3-38798508-C-T.
Other names: c.1092+1G>A (NM_001293307.2, NM_001293306.2).
Identifiers: ClinVar variation 2127904 (VCV002127904.4), dbSNP rs1393484909, ClinGen allele CA352169993.